The following is an entry in ClinVar:

ClinVar aggregate classification (germline): Uncertain significance (1 of 4 stars; one submission).

Conditions:
Autosomal recessive severe congenital neutropenia due to CSF3R deficiency. Also called: Neutropenia, severe congenital, 7, autosomal recessive. Identifiers: Orphanet 420702, MedGen C4310764, MONDO:0014865, OMIM 617014.

Allele frequency attached by ClinVar (database versions not stated): gnomAD 0.00001; TOPMed 0.00001; gnomAD exomes 0.00002.

Submission:

Labcorp Genetics (formerly Invitae), Labcorp
Classification: Uncertain significance for Autosomal recessive severe congenital neutropenia due to CSF3R deficiency. Last evaluated: 2025-10-14. Review status: criteria provided, single submitter. Criteria: Invitae Variant Classification Sherloc (09022015). Collection method: clinical testing. Allele origin: germline.
Comment: This sequence change replaces glycine, which is neutral and non-polar, with serine, which is neutral and polar, at codon 589 of the CSF3R protein (p.Gly589Ser). This variant is present in population databases (no rsID available, gnomAD 0.007%). This missense change has been observed in individual(s) with severe congenital neutropenia (PMID: 31321910). ClinVar contains an entry for this variant (Variation ID: 2746826). Invitae Evidence Modeling of protein sequence and biophysical properties (such as structural, functional, and spatial information, amino acid conservation, physicochemical variation, residue mobility, and thermodynamic stability) indicates that this missense variant is not expected to disrupt CSF3R protein function with a negative predictive value of 80%. Algorithms developed to predict the effect of sequence changes on RNA splicing suggest that this variant may disrupt the consensus splice site. In summary, the available evidence is currently insufficient to determine the role of this variant in disease. Therefore, it has been classified as a Variant of Uncertain Significance.

Literature cited by the submitters: PubMed 31321910.

NM_000760.4(CSF3R):c.1765G>A (p.Gly589Ser)

Gene: CSF3R (colony stimulating factor 3 receptor; minus strand). Cytogenetic location: 1p34.3.
Variant type: single nucleotide variant.
Coding change: c.1765G>A on transcript NM_000760.4 (MANE Select); coding-DNA position 1765, G replaced by A.
Protein change: p.Gly589Ser; replaces glycine 589 with serine.
Molecular consequence: missense variant.
Genome position (GRCh38, 1-based): chr1:36,467,921, C>T on the plus strand (G>A on the coding strand, the complement: CSF3R is on the minus strand). VCF-style: chr1-36467921-C-T. GRCh37 (hg19) VCF-style: chr1-36933522-C-T.
Other names: c.1765G>A, p.Gly589Ser (NM_156039.3, NM_172313.3); short protein forms G589S.
Identifiers: ClinVar variation 2746826 (VCV002746826.3), dbSNP rs966085298, ClinGen allele CA20743258.